The following is an entry in ClinVar:

ClinVar aggregate classification (germline): Uncertain significance (1 of 4 stars; one submission).

Conditions:
Progressive microcephaly-seizures-cortical blindness-developmental delay syndrome. Also called: Seizures, cortical blindness, and microcephaly syndrome. Identifiers: Orphanet 477814, MedGen C5567650, MONDO:0014714, OMIM 616632.
Autosomal dominant nonsyndromic hearing loss 1. Also called: KONIGSMARK SYNDROME; DEAFNESS, AUTOSOMAL DOMINANT 1, WITH OR WITHOUT THROMBOCYTOPENIA. Identifiers: Orphanet 90635, MedGen C1852282, MONDO:0007424, OMIM 124900.

Submission:

Labcorp Genetics (formerly Invitae), Labcorp
Classification: Uncertain significance for Progressive microcephaly-seizures-cortical blindness-developmental delay syndrome; Autosomal dominant nonsyndromic hearing loss 1. Last evaluated: 2025-06-17. Review status: criteria provided, single submitter. Criteria: Invitae Variant Classification Sherloc (09022015). Collection method: clinical testing. Allele origin: germline.
Comment: This sequence change replaces proline, which is neutral and non-polar, with serine, which is neutral and polar, at codon 702 of the DIAPH1 protein (p.Pro702Ser). This variant is not present in population databases (gnomAD no frequency). This variant has not been reported in the literature in individuals affected with DIAPH1-related conditions. Experimental studies and prediction algorithms are not available or were not evaluated, and the functional significance of this variant is currently unknown. In summary, the available evidence is currently insufficient to determine the role of this variant in disease. Therefore, it has been classified as a Variant of Uncertain Significance.

NM_005219.5(DIAPH1):c.2104C>T (p.Pro702Ser)

Gene: DIAPH1 (diaphanous related formin 1; minus strand). Cytogenetic location: 5q31.3.
Variant type: single nucleotide variant.
Coding change: c.2104C>T on transcript NM_005219.5 (MANE Select); coding-DNA position 2104, C replaced by T.
Protein change: p.Pro702Ser; replaces proline 702 with serine.
Molecular consequence: missense variant.
Genome position (GRCh38, 1-based): chr5:141,573,746, G>A on the plus strand (C>T on the coding strand, the complement: DIAPH1 is on the minus strand). VCF-style: chr5-141573746-G-A. GRCh37 (hg19) VCF-style: chr5-140953313-G-A.
Other names: c.2077C>T, p.Pro693Ser (NM_001079812.3); c.2104C>T, p.Pro702Ser (NM_001314007.2); short protein forms P693S, P702S.
Identifiers: ClinVar variation 4792548 (VCV004792548.1).